The following is an entry in ClinVar:

ClinVar aggregate classification (germline): Pathogenic. Review status: criteria provided, single submitter (1 of 4 stars). 3 submissions from 3 submitters: Pathogenic (1). 2 of the submissions do not count toward it. Last evaluated 2022-10-10.

Conditions:
Glycine encephalopathy 2 (GCE2). Identifiers: MedGen C5830559, MONDO:0958192, OMIM 620398.
Glycine encephalopathy. Also called: Nonketotic hyperglycinemia; Non-ketotic hyperglycinemia. Identifiers: Orphanet 407, MedGen C0751748, MONDO:0011612, HP:0008288.

Submissions (3):

Labcorp Genetics (formerly Invitae), Labcorp
Classification: Pathogenic for Glycine encephalopathy. Last evaluated: 2022-10-10. Review status: criteria provided, single submitter. Criteria: Invitae Variant Classification Sherloc (09022015). Collection method: clinical testing. Allele origin: germline.
Comment: For these reasons, this variant has been classified as Pathogenic. ClinVar contains an entry for this variant (Variation ID: 56235). This variant is also known as 183delC. This premature translational stop signal has been observed in individual(s) with glycine encephalopathy (PMID: 9621520). This variant is not present in population databases (gnomAD no frequency). This sequence change creates a premature translational stop signal (p.Pro20Argfs*76) in the AMT gene. It is expected to result in an absent or disrupted protein product. Loss-of-function variants in AMT are known to be pathogenic (PMID: 16450403).

OMIM
Classification: Pathogenic for GLYCINE ENCEPHALOPATHY 2. Last evaluated: 1998-01-01. Review status: no assertion criteria provided. Collection method: literature only. Allele origin: germline. Not counted in ClinVar's aggregate classification.

Juha Muilu Group; Institute for Molecular Medicine Finland (FIMM)
Classification: Likely pathogenic for Non-ketotic hyperglycinemia. Review status: no assertion criteria provided. Collection method: not provided. Allele origin: unknown. Not counted in ClinVar's aggregate classification.
Comment: FinDis database variant: This variant was not found or characterized by our laboratory, data were collected from public sources: see reference
ClinVar note: Converted during submission from probable-pathogenic to Likely pathogenic.

Literature cited by the submitters: PubMed 9621520 (cited by Labcorp Genetics (formerly Invitae), Labcorp and OMIM); PubMed 16450403 (cited by Labcorp Genetics (formerly Invitae), Labcorp).

NM_000481.4(AMT):c.59del (p.Pro20fs)

Genes: AMT (aminomethyltransferase; minus strand), NICN1 (nicolin 1, tubulin polyglutamylase complex subunit; minus strand). Cytogenetic location: 3p21.31.
Variant type: Deletion.
Coding change: c.59del on transcript NM_000481.4 (MANE Select); coding-DNA position 59, one base deleted (C; older notation c.59delC).
Protein change: p.Pro20fs; shifts the reading frame from proline 20.
Molecular consequence: frameshift variant. On other transcripts: non-coding transcript variant (1), 3 prime UTR variant (1).
Genome position (GRCh38, 1-based): chr3:49,422,392, G deleted on the plus strand (C on the coding strand, the reverse complement: AMT is on the minus strand); the first of 6 consecutive G bases (chr3:49,422,392-49,422,397); deleting any one gives the same sequence. VCF-style (leftmost placement, unchanged base first): chr3-49422391-CG-C. GRCh37 (hg19) VCF-style: chr3-49459824-CG-C.
Other names: 1-BP DEL, 183C; c.59delC (NM_000481.3); c.59del, p.Pro20fs (NM_001164710.2, NM_001164711.2, NM_001164712.2); c.*2441del (NM_032316.3); short protein forms P20fs.
Identifiers: ClinVar variation 56235 (VCV000056235.9), dbSNP rs386833686, ClinGen allele CA263580.